The following is an entry in ClinVar:

ClinVar aggregate classification (germline): Uncertain significance. Review status: criteria provided, multiple submitters, no conflicts (2 of 4 stars). 3 submissions from 3 submitters: Uncertain significance (3). Last evaluated 2026-06-11.

Conditions:
Cohen syndrome (COH1). Also called: Cutis verticis gyrata, retinitis pigmentosa, and sensorineural deafness; PEPPER SYNDROME. Identifiers: Orphanet 193, MedGen C0265223, MONDO:0008999, OMIM 216550.
Inborn genetic diseases. Identifiers: MedGen C0950123, MeSH D030342.
VPS13B-related disorder. Also called: VPS13B-related condition.

Allele frequency attached by ClinVar (database versions not stated): gnomAD exomes below 0.00001; ExAC 0.00004.
gnomAD v4.1: 6 of 1,382,916 alleles (0.00043%); highest among the groups gnomAD compares: South Asian, 0.0025%; no homozygotes.

Submissions (3):

PreventionGenetics, part of Exact Sciences
Classification: Uncertain significance for VPS13B-related condition. Last evaluated: 2026-06-11. Review status: criteria provided, single submitter. Criteria: ACMG Guidelines, 2015. Collection method: clinical testing. Allele origin: germline.
Comment: The VPS13B c.9355A>G variant is predicted to result in the amino acid substitution p.Thr3119Ala. To our knowledge, this variant has not been reported in the literature. This variant is reported in 0.0096% of alleles in individuals of South Asian descent in gnomAD. At this time, the clinical significance of this variant is uncertain due to the absence of conclusive functional and genetic evidence.

Labcorp Genetics (formerly Invitae), Labcorp
Classification: Uncertain significance for Cohen syndrome. Last evaluated: 2022-06-11. Review status: criteria provided, single submitter. Criteria: Invitae Variant Classification Sherloc (09022015). Collection method: clinical testing. Allele origin: germline.
Comment: This sequence change replaces threonine, which is neutral and polar, with alanine, which is neutral and non-polar, at codon 3144 of the VPS13B protein (p.Thr3144Ala). This variant is present in population databases (rs749275008, gnomAD 0.01%). This variant has not been reported in the literature in individuals affected with VPS13B-related conditions. Algorithms developed to predict the effect of missense changes on protein structure and function are either unavailable or do not agree on the potential impact of this missense change (SIFT: "Not Available"; PolyPhen-2: "Benign"; Align-GVGD: "Not Available"). In summary, the available evidence is currently insufficient to determine the role of this variant in disease. Therefore, it has been classified as a Variant of Uncertain Significance.

Ambry Genetics
Classification: Uncertain significance for Inborn genetic diseases. Last evaluated: 2018-06-13. Review status: criteria provided, single submitter. Criteria: Ambry Variant Classification Scheme 2023. Collection method: clinical testing. Allele origin: germline.
Comment: The p.T3144A variant (also known as c.9430A>G), located in coding exon 51 of the VPS13B gene, results from an A to G substitution at nucleotide position 9430. The threonine at codon 3144 is replaced by alanine, an amino acid with similar properties. This amino acid position is well conserved in available vertebrate species. In addition, this alteration is predicted to be tolerated by in silico analysis. Since supporting evidence is limited at this time, the clinical significance of this alteration remains unclear.

NM_152564.5(VPS13B):c.9355A>G (p.Thr3119Ala)

Gene: VPS13B (vacuolar protein sorting 13 homolog B; plus strand). Cytogenetic location: 8q22.2.
Variant type: single nucleotide variant.
Coding change: c.9355A>G on transcript NM_152564.5 (MANE Select); coding-DNA position 9355, A replaced by G.
Protein change: p.Thr3119Ala; replaces threonine 3119 with alanine.
Molecular consequence: missense variant.
Genome position (GRCh38, 1-based): chr8:99,832,393, A>G. VCF-style: chr8-99832393-A-G. GRCh37 (hg19) VCF-style: chr8-100844621-A-G.
Other names: c.9430A>G, p.Thr3144Ala (NM_017890.5); short protein forms T3119A, T3144A.
Identifiers: ClinVar variation 1766944 (VCV001766944.5), dbSNP rs749275008, ClinGen allele CA4824697.